The following is an entry in ClinVar:

ClinVar aggregate classification (germline): Uncertain significance (1 of 4 stars; one submission).

Submission:

GeneDx
Classification: Uncertain significance. Last evaluated: 2023-05-09. Review status: criteria provided, single submitter. Criteria: GeneDx Variant Classification Process June 2021. Collection method: clinical testing. Allele origin: germline. Affected: yes.
Comment: Not observed at significant frequency in large population cohorts (gnomAD); In silico analysis supports that this missense variant has a deleterious effect on protein structure/function; In silico analysis suggests this variant may impact gene splicing. In the absence of RNA/functional studies, the actual effect of this sequence change is unknown.; Has not been previously published as pathogenic or benign to our knowledge

NM_014991.6(WDFY3):c.7763A>C (p.Glu2588Ala)

Gene: WDFY3 (WD repeat and FYVE domain containing 3; minus strand). Cytogenetic location: 4q21.23.
Variant type: single nucleotide variant.
Coding change: c.7763A>C on transcript NM_014991.6 (MANE Select); coding-DNA position 7763, A replaced by C.
Protein change: p.Glu2588Ala; replaces glutamic acid 2588 with alanine.
Molecular consequence: missense variant.
Genome position (GRCh38, 1-based): chr4:84,717,008, T>G on the plus strand (A>C on the coding strand, the complement: WDFY3 is on the minus strand). VCF-style: chr4-84717008-T-G. GRCh37 (hg19) VCF-style: chr4-85638161-T-G.
Other names: short protein forms E2588A.
Identifiers: ClinVar variation 2662266 (VCV002662266.1), dbSNP rs2531486564, ClinGen allele CA357542435.